The following is an entry in ClinVar:

ClinVar aggregate classification (germline): Uncertain significance (1 of 4 stars; one submission).

gnomAD v4.1: 3 of 1,613,864 alleles (0.00019%); highest among the groups gnomAD compares: East Asian, 0.0022%; no homozygotes.

Submission:

GeneDx
Classification: Uncertain significance. Last evaluated: 2024-09-06. Review status: criteria provided, single submitter. Criteria: GeneDx Variant Classification Process June 2021. Collection method: clinical testing. Allele origin: germline. Affected: yes.
Comment: Not observed at significant frequency in large population cohorts (gnomAD); In silico analysis supports that this missense variant has a deleterious effect on protein structure/function; Has not been previously published as pathogenic or benign to our knowledge

NM_001145809.2(MYH14):c.793G>A (p.Asp265Asn)

Gene: MYH14 (myosin heavy chain 14; plus strand). Cytogenetic location: 19q13.33.
Variant type: single nucleotide variant.
Coding change: c.793G>A on transcript NM_001145809.2 (MANE Select); coding-DNA position 793, G replaced by A.
Protein change: p.Asp265Asn; replaces aspartic acid 265 with asparagine.
Molecular consequence: missense variant.
Genome position (GRCh38, 1-based): chr19:50,225,660, G>A. VCF-style: chr19-50225660-G-A. GRCh37 (hg19) VCF-style: chr19-50728917-G-A.
Other names: c.793G>A, p.Asp265Asn (NM_001077186.2); c.769G>A, p.Asp257Asn (NM_024729.4); short protein forms D257N, D265N.
Identifiers: ClinVar variation 3767731 (VCV003767731.1).